The following is an entry in ClinVar:

NM_152703.5(SAMD9L):c.1427A>G (p.Lys476Arg)

Gene: SAMD9L (sterile alpha motif domain containing 9 like; minus strand). Cytogenetic location: 7q21.2.
Variant type: single nucleotide variant.
Coding change: c.1427A>G on transcript NM_152703.5 (MANE Select); coding-DNA position 1427, A replaced by G.
Protein change: p.Lys476Arg; replaces lysine 476 with arginine.
Molecular consequence: missense variant.
Genome position (GRCh38, 1-based): chr7:93,134,545, T>C on the plus strand (A>G on the coding strand, the complement: SAMD9L is on the minus strand). VCF-style: chr7-93134545-T-C. GRCh37 (hg19) VCF-style: chr7-92763858-T-C.
Other names: c.1427A>G, p.Lys476Arg (NM_001303496.3, NM_001303497.3, NM_001303498.3 and 5 more transcripts); short protein forms K476R.
Identifiers: ClinVar variation 4864031 (VCV004864031.1).

ClinVar aggregate classification (germline): Uncertain significance (1 of 4 stars; one submission).

Conditions:
Inborn genetic diseases. Identifiers: MedGen C0950123, MeSH D030342.

gnomAD v4.1: 1 of 1,613,990 alleles (0.000062%); highest among the groups gnomAD compares: Non-Finnish European, 0.000085%; no homozygotes.

Submission:

Ambry Genetics
Classification: Uncertain significance for Inborn genetic diseases. Last evaluated: 2026-06-09. Review status: criteria provided, single submitter. Criteria: Ambry Variant Classification Scheme 2023. Collection method: clinical testing. Allele origin: germline.
Comment: The p.K476R variant (also known as c.1427A>G), located in coding exon 1 of the SAMD9L gene, results from an A to G substitution at nucleotide position 1427. The lysine at codon 476 is replaced by arginine, an amino acid with highly similar properties. This amino acid position is conserved. In addition, this alteration is predicted to be tolerated by in silico analysis. Based on the available evidence, the clinical significance of this variant remains unclear.